The following is an entry in ClinVar:

ClinVar aggregate classification (germline): Uncertain significance (1 of 4 stars; one submission).

Allele frequency attached by ClinVar (database versions not stated): ExAC 0.00001; gnomAD 0.00001; TOPMed 0.00005.
gnomAD v4.1: 15 of 1,613,960 alleles (0.00093%); highest among the groups gnomAD compares: Admixed American, 0.0033%; no homozygotes.

Submission:

Labcorp Genetics (formerly Invitae), Labcorp
Classification: Uncertain significance. Last evaluated: 2022-03-11. Review status: criteria provided, single submitter. Criteria: Invitae Variant Classification Sherloc (09022015). Collection method: clinical testing. Allele origin: germline.
Comment: This variant has not been reported in the literature in individuals affected with VSX1-related conditions. In summary, the available evidence is currently insufficient to determine the role of this variant in disease. Therefore, it has been classified as a Variant of Uncertain Significance. Algorithms developed to predict the effect of missense changes on protein structure and function output the following: SIFT: "Deleterious"; PolyPhen-2: "Benign"; Align-GVGD: "Class C35". The tryptophan amino acid residue is found in multiple mammalian species, which suggests that this missense change does not adversely affect protein function. This variant is present in population databases (rs775374725, gnomAD 0.007%). This sequence change replaces arginine, which is basic and polar, with tryptophan, which is neutral and slightly polar, at codon 333 of the VSX1 protein (p.Arg333Trp).

NM_014588.6(VSX1):c.997C>T (p.Arg333Trp)

Gene: VSX1 (visual system homeobox 1; minus strand). Cytogenetic location: 20p11.21.
Variant type: single nucleotide variant.
Coding change: c.997C>T on transcript NM_014588.6 (MANE Select); coding-DNA position 997, C replaced by T.
Protein change: p.Arg333Trp; replaces arginine 333 with tryptophan.
Molecular consequence: missense variant. On other transcripts: non-coding transcript variant (2), intron variant (2).
Genome position (GRCh38, 1-based): chr20:25,076,362, G>A on the plus strand (C>T on the coding strand, the complement: VSX1 is on the minus strand). VCF-style: chr20-25076362-G-A. GRCh37 (hg19) VCF-style: chr20-25056998-G-A.
Other names: c.304C>T, p.Arg102Trp (NM_001378633.1); c.627+2467C>T (NM_001256271.2); c.808+1323C>T (NM_001256272.2); short protein forms R333W, R102W.
Identifiers: ClinVar variation 2155997 (VCV002155997.4), dbSNP rs775374725, ClinGen allele CA9793453.